The following is an entry in ClinVar:

NM_032444.4(SLX4):c.3962C>T (p.Pro1321Leu)

Gene: SLX4 (SLX4 structure-specific endonuclease subunit; minus strand). Cytogenetic location: 16p13.3.
Variant type: single nucleotide variant.
Coding change: c.3962C>T on transcript NM_032444.4 (MANE Select); coding-DNA position 3962, C replaced by T.
Protein change: p.Pro1321Leu; replaces proline 1321 with leucine.
Molecular consequence: missense variant.
Genome position (GRCh38, 1-based): chr16:3,589,676, G>A on the plus strand (C>T on the coding strand, the complement: SLX4 is on the minus strand). VCF-style: chr16-3589676-G-A. GRCh37 (hg19) VCF-style: chr16-3639677-G-A.
Other names: c.3962C>T (LRG_503t1); short protein forms P1321L.
Identifiers: ClinVar variation 456317 (VCV000456317.9), dbSNP rs778781581, ClinGen allele CA394518693.

ClinVar aggregate classification (germline): Uncertain significance. Review status: criteria provided, multiple submitters, no conflicts (2 of 4 stars). 4 submissions from 4 submitters: Uncertain significance (4). Last evaluated 2025-10-30.

Conditions:
Inborn genetic diseases. Identifiers: MedGen C0950123, MeSH D030342.
Fanconi anemia complementation group P. Also called: SLX4-Related Fanconi Anemia. Identifiers: Orphanet 84, MedGen C3469542, MONDO:0013499, OMIM 613951.
Fanconi anemia (FA). Also called: Fanconi's anemia. Identifiers: Orphanet 84, MedGen C0015625, MeSH D005199, MONDO:0019391.

Allele frequency attached by ClinVar (database versions not stated): TOPMed 0.00001; gnomAD 0.00002.
gnomAD v4.1: 30 of 1,613,784 alleles (0.0019%); highest among the groups gnomAD compares: Admixed American, 0.005%; no homozygotes.

Submissions (4):

Ambry Genetics
Classification: Uncertain significance for Inborn genetic diseases. Last evaluated: 2025-10-30. Review status: criteria provided, single submitter. Criteria: Ambry Variant Classification Scheme 2023. Collection method: clinical testing. Allele origin: germline.

Labcorp Genetics (formerly Invitae), Labcorp
Classification: Uncertain significance for Fanconi anemia. Last evaluated: 2022-08-23. Review status: criteria provided, single submitter. Criteria: Invitae Variant Classification Sherloc (09022015). Collection method: clinical testing. Allele origin: germline.
Comment: This sequence change replaces proline, which is neutral and non-polar, with leucine, which is neutral and non-polar, at codon 1321 of the SLX4 protein (p.Pro1321Leu). This variant is present in population databases (no rsID available, gnomAD 0.004%). This variant has not been reported in the literature in individuals affected with SLX4-related conditions. ClinVar contains an entry for this variant (Variation ID: 456317). Algorithms developed to predict the effect of missense changes on protein structure and function (SIFT, PolyPhen-2, Align-GVGD) all suggest that this variant is likely to be tolerated. In summary, the available evidence is currently insufficient to determine the role of this variant in disease. Therefore, it has been classified as a Variant of Uncertain Significance.

Fulgent Genetics
Classification: Uncertain significance for Fanconi anemia complementation group P. Last evaluated: 2021-12-21. Review status: criteria provided, single submitter. Criteria: ACMG Guidelines, 2015. Collection method: clinical testing. Allele origin: unknown.

GeneDx
Classification: Uncertain significance. Last evaluated: 2021-06-10. Review status: criteria provided, single submitter. Criteria: GeneDx Variant Classification Process June 2021. Collection method: clinical testing. Allele origin: germline. Affected: yes.
Comment: Not observed at significant frequency in large population cohorts (Lek 2016); In silico analysis supports that this missense variant does not alter protein structure/function; Has not been previously published as pathogenic or benign to our knowledge; This variant is associated with the following publications: (PMID: 27535533)